The following is an entry in ClinVar:

ClinVar aggregate classification (germline): Uncertain significance (1 of 4 stars; one submission).

Conditions:
Renal carnitine transport defect (CDSP). Also called: Carnitine transporter deficiency; Carnitine Deficiency, Systemic; Primary carnitine deficiency; Systemic primary carnitine deficiency; CARNITINE DEFICIENCY, SYSTEMIC, DUE TO DEFECT IN RENAL REABSORPTION OF CARNITINE; CARNITINE TRANSPORTER, PLASMA-MEMBRANE, DEFICIENCY OF. Identifiers: Orphanet 158, MedGen C0342788, MONDO:0008919, OMIM 212140.

gnomAD v4.1: 1 of 1,614,228 alleles (0.000062%); no homozygotes.

Submission:

Labcorp Genetics (formerly Invitae), Labcorp
Classification: Uncertain significance for Renal carnitine transport defect. Last evaluated: 2022-06-09. Review status: criteria provided, single submitter. Criteria: Invitae Variant Classification Sherloc (09022015). Collection method: clinical testing. Allele origin: germline.
Comment: This variant has not been reported in the literature in individuals affected with SLC22A5-related conditions. This variant is not present in population databases (gnomAD no frequency). This sequence change replaces valine, which is neutral and non-polar, with isoleucine, which is neutral and non-polar, at codon 384 of the SLC22A5 protein (p.Val384Ile). Advanced modeling of protein sequence and biophysical properties (such as structural, functional, and spatial information, amino acid conservation, physicochemical variation, residue mobility, and thermodynamic stability) performed at Invitae indicates that this missense variant is not expected to disrupt SLC22A5 protein function. In summary, the available evidence is currently insufficient to determine the role of this variant in disease. Therefore, it has been classified as a Variant of Uncertain Significance.

NM_003060.4(SLC22A5):c.1150G>A (p.Val384Ile)

Gene: SLC22A5 (solute carrier family 22 member 5; plus strand). Cytogenetic location: 5q31.1.
Variant type: single nucleotide variant.
Coding change: c.1150G>A on transcript NM_003060.4 (MANE Select); coding-DNA position 1150, G replaced by A.
Protein change: p.Val384Ile; replaces valine 384 with isoleucine.
Molecular consequence: missense variant.
Genome position (GRCh38, 1-based): chr5:132,390,787, G>A. VCF-style: chr5-132390787-G-A. GRCh37 (hg19) VCF-style: chr5-131726479-G-A.
Other names: c.1222G>A, p.Val408Ile (NM_001308122.2); short protein forms V408I, V384I.
Identifiers: ClinVar variation 2003829 (VCV002003829.4), dbSNP rs2532134313, ClinGen allele CA360807629.
Genomic context (GRCh38, chr5:132,390,787, plus strand): 5'-GATACTCCTAACTTGCATGGGGACATCTTTGTGAACTGCTTCCTTTCAGCGATGGTTGAA[G>A]TCCCAGCATATGTGTTGGCCTGGCTGCTGCTGCAATATTTGCCCCGGCGCTATTCCATGG-3'
Protein context (NP_003051.1, residues 374-394): VNCFLSAMVE[Val384Ile]PAYVLAWLLL